The following is an entry in ClinVar:

ClinVar aggregate classification (germline): Uncertain significance (1 of 4 stars; one submission).

gnomAD v4.1: 4 of 1,613,974 alleles (0.00025%); highest among the groups gnomAD compares: Admixed American, 0.0033%; no homozygotes.

Submission:

GeneDx
Classification: Uncertain significance. Last evaluated: 2025-03-25. Review status: criteria provided, single submitter. Criteria: GeneDx Variant Classification Process June 2021. Collection method: clinical testing. Allele origin: germline. Affected: yes.
Comment: In silico analysis supports that this missense variant has a deleterious effect on protein structure/function; Has not been previously published as pathogenic or benign to our knowledge; Also known as p.(Q216L)

NM_000384.3(APOB):c.728A>T (p.Gln243Leu)

Gene: APOB (apolipoprotein B; minus strand). Cytogenetic location: 2p24.1.
Variant type: single nucleotide variant.
Coding change: c.728A>T on transcript NM_000384.3 (MANE Select); coding-DNA position 728, A replaced by T.
Protein change: p.Gln243Leu; replaces glutamine 243 with leucine.
Molecular consequence: missense variant.
Genome position (GRCh38, 1-based): chr2:21,035,674, T>A on the plus strand (A>T on the coding strand, the complement: APOB is on the minus strand). VCF-style: chr2-21035674-T-A. GRCh37 (hg19) VCF-style: chr2-21258546-T-A.
Other names: short protein forms Q243L.
Identifiers: ClinVar variation 4087965 (VCV004087965.1).